The following is an entry in ClinVar:

ClinVar aggregate classification (germline): Uncertain significance. Review status: criteria provided, multiple submitters, no conflicts (2 of 4 stars). 2 submissions from 2 submitters: Uncertain significance (2). Last evaluated 2023-12-14.

Conditions:
Isolated microphthalmia 5. Also called: Posterior Microphthalmia with Retinitis Pigmentosa, Foveoschisis, and Optic Disc Drusen. Identifiers: Orphanet 251279, MedGen C1970236, MONDO:0012605, OMIM 611040.

Allele frequency attached by ClinVar (database versions not stated): TOPMed 0.00004; gnomAD exomes 0.00006; ExAC 0.00003; gnomAD 0.00004.
gnomAD v4.1: 45 of 1,613,082 alleles (0.0028%); highest among the groups gnomAD compares: East Asian, 0.013%; no homozygotes.

Submissions (2):

Blueprint Genetics
Classification: Uncertain significance. Last evaluated: 2023-12-14. Review status: criteria provided, single submitter. Criteria: ACMG Guidelines, 2015. Collection method: clinical testing. Allele origin: germline.

Labcorp Genetics (formerly Invitae), Labcorp
Classification: Uncertain significance for Isolated microphthalmia 5. Last evaluated: 2022-08-20. Review status: criteria provided, single submitter. Criteria: Invitae Variant Classification Sherloc (09022015). Collection method: clinical testing. Allele origin: germline.
Comment: This sequence change replaces glycine, which is neutral and non-polar, with arginine, which is basic and polar, at codon 258 of the MFRP protein (p.Gly258Arg). This variant also falls at the last nucleotide of exon 6, which is part of the consensus splice site for this exon. This variant is present in population databases (rs778144527, gnomAD 0.02%). This variant has not been reported in the literature in individuals affected with MFRP-related conditions. ClinVar contains an entry for this variant (Variation ID: 862367). Algorithms developed to predict the effect of missense changes on protein structure and function (SIFT, PolyPhen-2, Align-GVGD) all suggest that this variant is likely to be tolerated. Variants that disrupt the consensus splice site are a relatively common cause of aberrant splicing (PMID: 17576681, 9536098). Algorithms developed to predict the effect of sequence changes on RNA splicing suggest that this variant may create or strengthen a splice site. In summary, the available evidence is currently insufficient to determine the role of this variant in disease. Therefore, it has been classified as a Variant of Uncertain Significance.

Literature cited by the submitters: PubMed 17576681 (cited by Labcorp Genetics (formerly Invitae), Labcorp); PubMed 9536098 (cited by Labcorp Genetics (formerly Invitae), Labcorp).

NM_031433.4(MFRP):c.772G>A (p.Gly258Arg)

Genes: C1QTNF5 (C1q and TNF related 5; minus strand), MFRP (membrane frizzled-related protein; minus strand). Cytogenetic location: 11q23.3.
Variant type: single nucleotide variant.
Coding change: c.772G>A on transcript NM_031433.4 (MANE Select); coding-DNA position 772, G replaced by A.
Protein change: p.Gly258Arg; replaces glycine 258 with arginine.
Molecular consequence: missense variant. On other transcripts: 5 prime UTR variant (1).
Genome position (GRCh38, 1-based): chr11:119,344,874, C>T on the plus strand (G>A on the coding strand, the complement: MFRP is on the minus strand). VCF-style: chr11-119344874-C-T. GRCh37 (hg19) VCF-style: chr11-119215584-C-T.
Other names: c.-1865G>A (NM_015645.5); short protein forms G258R.
Identifiers: ClinVar variation 862367 (VCV000862367.9), dbSNP rs778144527, ClinGen allele CA6320423.